The following is an entry in ClinVar:

ClinVar aggregate classification (germline): Uncertain significance (1 of 4 stars; one submission).

Submission:

Labcorp Genetics (formerly Invitae), Labcorp
Classification: Uncertain significance. Last evaluated: 2025-05-12. Review status: criteria provided, single submitter. Criteria: Invitae Variant Classification Sherloc (09022015). Collection method: clinical testing. Allele origin: germline.
Comment: This sequence change replaces glycine, which is neutral and non-polar, with alanine, which is neutral and non-polar, at codon 62 of the NXN protein (p.Gly62Ala). This variant is not present in population databases (gnomAD no frequency). This variant has not been reported in the literature in individuals affected with NXN-related conditions. ClinVar contains an entry for this variant (Variation ID: 1917687). An algorithm developed to predict the effect of missense changes on protein structure and function (PolyPhen-2) suggests that this variant is likely to be tolerated. In summary, the available evidence is currently insufficient to determine the role of this variant in disease. Therefore, it has been classified as a Variant of Uncertain Significance.

NM_022463.5(NXN):c.185G>C (p.Gly62Ala)

Gene: NXN (nucleoredoxin; minus strand). Cytogenetic location: 17p13.3.
Variant type: single nucleotide variant.
Coding change: c.185G>C on transcript NM_022463.5 (MANE Select); coding-DNA position 185, G replaced by C.
Protein change: p.Gly62Ala; replaces glycine 62 with alanine.
Molecular consequence: missense variant.
Genome position (GRCh38, 1-based): chr17:979,494, C>G on the plus strand (G>C on the coding strand, the complement: NXN is on the minus strand). VCF-style: chr17-979494-C-G. GRCh37 (hg19) VCF-style: chr17-882734-C-G.
Other names: short protein forms G62A.
Identifiers: ClinVar variation 1917687 (VCV001917687.5), dbSNP rs2069511782, ClinGen allele CA397511684.